The following is an entry in ClinVar:

ClinVar aggregate classification (germline): Benign/Likely benign. Review status: criteria provided, multiple submitters, no conflicts (2 of 4 stars). 8 submissions from 8 submitters: Benign (1); Likely benign (6). 1 of the submissions does not count toward it. Last evaluated 2026-01-27.

Conditions:
Xeroderma pigmentosum, group D (XPD). Also called: XERODERMA PIGMENTOSUM IV; XP, GROUP D; XP, GROUP H; XERODERMA PIGMENTOSUM, COMPLEMENTATION GROUP D; ERCC2-Related Xeroderma Pigmentosum. Identifiers: MedGen C0268138, MONDO:0010212, OMIM 278730.
Trichothiodystrophy 1, photosensitive (TTD1). Also called: TAY SYNDROME; TRICHOTHIODYSTROPHY WITH CONGENITAL ICHTHYOSIS; PIBIDS SYNDROME. Identifiers: Orphanet 33364, MedGen C1866504, MONDO:0011125, OMIM 601675.
Cerebrooculofacioskeletal syndrome 2 (COFS2). Identifiers: MedGen C1853102, MONDO:0012553, OMIM 610756.
ERCC2-related disorder. Also called: ERCC2-related disorders; ERCC2-related conditions; ERCC2-related condition. Identifiers: MedGen CN239291.
Xeroderma pigmentosum (XP). Identifiers: Orphanet 910, MedGen C0043346, MONDO:0019600.
Inborn genetic diseases. Identifiers: MedGen C0950123, MeSH D030342.

Allele frequency attached by ClinVar (database versions not stated): gnomAD exomes 0.00013 and 0.00033; ExAC 0.00042; 1000 Genomes Project 0.00120; gnomAD 0.00140 and 0.00146; 1000 Genomes Project 30x 0.00141; TOPMed 0.00150; ESP Exome Variant Server 0.00200.
gnomAD v4.1: 407 of 1,614,104 alleles (0.025%); highest among the groups gnomAD compares: African/African-American, 0.48%; no homozygotes.

Submissions (8):

Labcorp Genetics (formerly Invitae), Labcorp
Classification: Benign. Last evaluated: 2026-01-27. Review status: criteria provided, single submitter. Criteria: Invitae Variant Classification Sherloc (09022015). Collection method: clinical testing. Allele origin: germline.

Blueprint Genetics
Classification: Likely benign. Last evaluated: 2024-10-18. Review status: criteria provided, single submitter. Criteria: ACMG Guidelines, 2015. Collection method: clinical testing. Allele origin: germline.

Fulgent Genetics
Classification: Likely benign for Xeroderma pigmentosum, group D; Trichothiodystrophy 1, photosensitive; Cerebrooculofacioskeletal syndrome 2. Last evaluated: 2022-03-02. Review status: criteria provided, single submitter. Criteria: ACMG Guidelines, 2015. Collection method: clinical testing. Allele origin: unknown.

Ambry Genetics
Classification: Likely benign for Inborn genetic diseases. Last evaluated: 2022-02-12. Review status: criteria provided, single submitter. Criteria: Ambry Variant Classification Scheme 2023. Collection method: clinical testing. Allele origin: germline.

GeneDx
Classification: Likely benign. Last evaluated: 2021-06-22. Review status: criteria provided, single submitter. Criteria: GeneDx Variant Classification Process June 2021. Collection method: clinical testing. Allele origin: germline. Affected: yes.

Sema4
Classification: Likely benign for Xeroderma pigmentosum. Last evaluated: 2020-12-01. Review status: criteria provided, single submitter. Criteria: Sema4 Curation Guidelines. Collection method: curation. Allele origin: germline.

Breakthrough Genomics
Classification: Likely benign. Review status: criteria provided, single submitter. Criteria: ACMG Guidelines, 2015. Collection method: not provided. Allele origin: germline. Inheritance: Autosomal recessive inheritance. Affected: yes.

PreventionGenetics, part of Exact Sciences
Classification: Likely benign for ERCC2-related condition. Last evaluated: 2019-02-18. Review status: no assertion criteria provided. Collection method: clinical testing. Allele origin: germline. Not counted in ClinVar's aggregate classification.
Comment: This variant is classified as likely benign based on ACMG/AMP sequence variant interpretation guidelines (Richards et al. 2015 PMID: 25741868, with internal and published modifications).

NM_000400.4(ERCC2):c.1632C>T (p.Tyr544=)

Gene: ERCC2 (ERCC excision repair 2, TFIIH core complex helicase subunit; minus strand). Cytogenetic location: 19q13.32.
Variant type: single nucleotide variant.
Coding change: c.1632C>T on transcript NM_000400.4 (MANE Select); coding-DNA position 1632, C replaced by T.
Protein change: p.Tyr544=; no amino-acid change (tyrosine 544 retained).
Molecular consequence: synonymous variant.
Genome position (GRCh38, 1-based): chr19:45,354,763, G>A on the plus strand (C>T on the coding strand, the complement: ERCC2 is on the minus strand). VCF-style: chr19-45354763-G-A. GRCh37 (hg19) VCF-style: chr19-45858021-G-A.
Identifiers: ClinVar variation 712863 (VCV000712863.21), dbSNP rs147605089, ClinGen allele CA9513183.